The following is an entry in ClinVar:

NM_001110556.2(FLNA):c.4713T>C (p.Asp1571=)

Gene: FLNA (filamin A; minus strand). Cytogenetic location: Xq28.
Variant type: single nucleotide variant.
Coding change: c.4713T>C on transcript NM_001110556.2 (MANE Select); coding-DNA position 4713, T replaced by C.
Protein change: p.Asp1571=; no amino-acid change (aspartic acid 1571 retained).
Molecular consequence: synonymous variant.
Genome position (GRCh38, 1-based): chrX:154,358,241, A>G on the plus strand (T>C on the coding strand, the complement: FLNA is on the minus strand). VCF-style: chrX-154358241-A-G. GRCh37 (hg19) VCF-style: chrX-153586609-A-G.
Other names: c.4713T>C, p.Asp1571= (NM_001456.4).
Identifiers: ClinVar variation 681170 (VCV000681170.3), dbSNP rs781907985, ClinGen allele CA10560485.

ClinVar aggregate classification (germline): Likely benign. Review status: criteria provided, multiple submitters, no conflicts (2 of 4 stars). 2 submissions from 2 submitters: Likely benign (2). Last evaluated 2019-09-18.

Conditions:
Familial thoracic aortic aneurysm and aortic dissection (TAAD). Also called: Thoracic aortic aneurysms and dissections. Identifiers: Orphanet 91387, MedGen C4707243, MONDO:0019625.

Allele frequency attached by ClinVar (database versions not stated): gnomAD below 0.00001 and 0.00003; ExAC 0.00012; gnomAD exomes 0.00013 and 0.00016.
gnomAD v4.1: 71 of 1,209,612 alleles (0.0059%); highest among the groups gnomAD compares: South Asian, 0.12%; 2 homozygotes.

Submissions (2):

Ambry Genetics
Classification: Likely benign for Familial thoracic aortic aneurysm and aortic dissection. Last evaluated: 2019-09-18. Review status: criteria provided, single submitter. Criteria: Ambry Variant Classification Scheme 2023. Collection method: clinical testing. Allele origin: germline.

GeneDx
Classification: Likely benign. Last evaluated: 2018-03-27. Review status: criteria provided, single submitter. Criteria: GeneDx Variant Classification (06012015). Collection method: clinical testing. Allele origin: germline. Affected: yes.
Comment: This variant is considered likely benign or benign based on one or more of the following criteria: it is a conservative change, it occurs at a poorly conserved position in the protein, it is predicted to be benign by multiple in silico algorithms, and/or has population frequency not consistent with disease.